The following is an entry in ClinVar:

NM_000268.4(NF2):c.1251T>G (p.Ile417Met)

Gene: NF2 (NF2, moesin-ezrin-radixin like (MERLIN) tumor suppressor; plus strand). Cytogenetic location: 22q12.2.
Variant type: single nucleotide variant.
Coding change: c.1251T>G on transcript NM_000268.4 (MANE Select); coding-DNA position 1251, T replaced by G.
Protein change: p.Ile417Met; replaces isoleucine 417 with methionine.
Molecular consequence: missense variant. On other transcripts: non-coding transcript variant (1), intron variant (1).
Genome position (GRCh38, 1-based): chr22:29,673,397, T>G. VCF-style: chr22-29673397-T-G. GRCh37 (hg19) VCF-style: chr22-30069386-T-G.
Other names: c.1137T>G, p.Ile379Met (NM_001407053.1, NM_001407056.1); c.1128T>G, p.Ile376Met (NM_001407054.1, NM_001407058.1, NM_181829.3); c.1125T>G, p.Ile375Met (NM_001407055.1, NM_181828.3); c.1116T>G, p.Ile372Met (NM_001407057.1, NM_001407059.1); c.1251T>G, p.Ile417Met (NM_001407060.1, NM_001407066.1, NM_016418.5 and 2 more transcripts); c.993T>G, p.Ile331Met (NM_001407062.1); c.1002T>G, p.Ile334Met (NM_001407063.1, NM_001407064.1, NM_181830.3 and 1 more transcripts); c.717T>G, p.Ile239Met (NM_001407065.1); and 2 more; short protein forms I340M, I376M, I379M, I417M, I334M, I239M, I331M, I372M.
Identifiers: ClinVar variation 1760923 (VCV001760923.3), dbSNP rs2147083212, ClinGen allele CA411148325.

ClinVar aggregate classification (germline): Uncertain significance (1 of 4 stars; one submission).

Conditions:
Hereditary cancer-predisposing syndrome. Also called: Neoplastic Syndromes, Hereditary; Tumor predisposition; Hereditary Cancer Syndrome; Hereditary neoplastic syndrome. Identifiers: Orphanet 140162, MedGen C0027672, MeSH D009386, MONDO:0015356.

Submission:

Ambry Genetics
Classification: Uncertain significance for Hereditary cancer-predisposing syndrome. Last evaluated: 2025-10-23. Review status: criteria provided, single submitter. Criteria: Ambry Variant Classification Scheme 2023. Collection method: clinical testing. Allele origin: germline.
Comment: The p.I417M variant (also known as c.1251T>G), located in coding exon 12 of the NF2 gene, results from a T to G substitution at nucleotide position 1251. The isoleucine at codon 417 is replaced by methionine, an amino acid with highly similar properties. This amino acid position is well conserved in available vertebrate species. In addition, this alteration is predicted to be tolerated by in silico analysis. Based on the available evidence, the clinical significance of this variant remains unclear.